The following is an entry in ClinVar:

NM_004036.5(ADCY3):c.3096C>T (p.Asn1032=)

Genes: ADCY3 (adenylate cyclase 3; minus strand), CENPO (centromere protein O; plus strand). Cytogenetic location: 2p23.3.
Variant type: single nucleotide variant.
Coding change: c.3096C>T on transcript NM_004036.5 (MANE Select); coding-DNA position 3096, C replaced by T.
Protein change: p.Asn1032=; no amino-acid change (asparagine 1032 retained).
Molecular consequence: synonymous variant. On other transcripts: 3 prime UTR variant (3), non-coding transcript variant (3).
Genome position (GRCh38, 1-based): chr2:24,821,548, G>A on the plus strand (C>T on the coding strand, the complement: ADCY3 is on the minus strand). VCF-style: chr2-24821548-G-A. GRCh37 (hg19) VCF-style: chr2-25044417-G-A.
Other names: c.3099C>T, p.Asn1033= (NM_001320613.2); c.3162C>T, p.Asn1054= (NM_001377128.1); c.2958C>T, p.Asn986= (NM_001377129.1); c.2544C>T, p.Asn848= (NM_001377130.1); c.2373C>T, p.Asn791= (NM_001377131.1); c.3096C>T, p.Asn1032= (NM_001377132.1); c.*2230G>A (NM_001199803.3, NM_001322101.2, NM_024322.4).
Identifiers: ClinVar variation 774810 (VCV000774810.34), dbSNP rs72792178, ClinGen allele CA1553513.

ClinVar aggregate classification (germline): Benign/Likely benign. Review status: criteria provided, multiple submitters, no conflicts (2 of 4 stars). 4 submissions from 4 submitters: Benign (2); Likely benign (1). 1 of the submissions does not count toward it. Last evaluated 2026-07-01.

Conditions:
ADCY3-related disorder. Also called: ADCY3-related condition.

Allele frequency attached by ClinVar (database versions not stated): 1000 Genomes Project 0.00319; 1000 Genomes Project 30x 0.00359; ExAC 0.00532; gnomAD 0.00571 and 0.00584; gnomAD exomes 0.00591 and 0.00835; TOPMed 0.00615; ESP Exome Variant Server 0.00700.
gnomAD v4.1: 13,021 of 1,614,182 alleles (0.81%); highest among the groups gnomAD compares: Non-Finnish European, 0.96%; 72 homozygotes.

Submissions (4):

CeGaT Center for Human Genetics Tuebingen
Classification: Likely benign. Last evaluated: 2026-07-01. Review status: criteria provided, single submitter. Criteria: CeGaT Center For Human Genetics Tuebingen Variant Classification Criteria Version 2. Collection method: clinical testing. Allele origin: germline. Affected: yes. Observed: 4 variant alleles.
Comment: ADCY3: BP4, BP7, BS2

Labcorp Genetics (formerly Invitae), Labcorp
Classification: Benign. Last evaluated: 2026-02-01. Review status: criteria provided, single submitter. Criteria: Invitae Variant Classification Sherloc (09022015). Collection method: clinical testing. Allele origin: germline.

Breakthrough Genomics
Classification: Benign. Review status: criteria provided, single submitter. Criteria: ACMG Guidelines, 2015. Collection method: not provided. Allele origin: germline. Inheritance: Autosomal recessive inheritance. Affected: yes.

PreventionGenetics, part of Exact Sciences
Classification: Benign for ADCY3-related condition. Last evaluated: 2019-08-15. Review status: no assertion criteria provided. Collection method: clinical testing. Allele origin: germline. Not counted in ClinVar's aggregate classification.
Comment: This variant is classified as benign based on ACMG/AMP sequence variant interpretation guidelines (Richards et al. 2015 PMID: 25741868, with internal and published modifications).